The following is an entry in ClinVar:

NM_001271.4(CHD2):c.169T>A (p.Ser57Thr)

Gene: CHD2 (chromodomain helicase DNA binding protein 2; plus strand). Cytogenetic location: 15q26.1.
Variant type: single nucleotide variant.
Coding change: c.169T>A on transcript NM_001271.4 (MANE Select); coding-DNA position 169, T replaced by A.
Protein change: p.Ser57Thr; replaces serine 57 with threonine.
Molecular consequence: missense variant.
Genome position (GRCh38, 1-based): chr15:92,924,427, T>A. VCF-style: chr15-92924427-T-A. GRCh37 (hg19) VCF-style: chr15-93467657-T-A.
Other names: c.169T>A, p.Ser57Thr (NM_001042572.3); short protein forms S57T.
Identifiers: ClinVar variation 3371480 (VCV003371480.2).

ClinVar aggregate classification (germline): Uncertain significance. Review status: criteria provided, multiple submitters, no conflicts (2 of 4 stars). 2 submissions from 2 submitters: Uncertain significance (2). Last evaluated 2024-09-19.

Submissions (2):

Women's Health and Genetics/Laboratory Corporation of America, LabCorp
Classification: Uncertain significance. Last evaluated: 2024-09-19. Review status: criteria provided, single submitter. Criteria: LabCorp Variant Classification Summary - May 2015. Collection method: clinical testing. Allele origin: germline.
Comment: Variant summary: CHD2 c.169T>A (p.Ser57Thr) results in a conservative amino acid change in the encoded protein sequence. Four of five in-silico tools predict a benign effect of the variant on protein function. The variant was absent in 251426 control chromosomes. The available data on variant occurrences in the general population are insufficient to allow any conclusion about variant significance. To our knowledge, no occurrence of c.169T>A in individuals affected with Developmental And Epileptic Encephalopathy 94 and no experimental evidence demonstrating its impact on protein function have been reported. No submitters have cited clinical-significance assessments for this variant to ClinVar. Based on the evidence outlined above, the variant was classified as uncertain significance.

GeneDx
Classification: Uncertain significance. Last evaluated: 2024-03-22. Review status: criteria provided, single submitter. Criteria: GeneDx Variant Classification Process June 2021. Collection method: clinical testing. Allele origin: germline. Affected: yes.
Comment: Not observed at significant frequency in large population cohorts (gnomAD); In silico analysis supports that this missense variant does not alter protein structure/function; Has not been previously published as pathogenic or benign to our knowledge